The following is an entry in ClinVar:

NM_000170.3(GLDC):c.1378T>G (p.Phe460Val)

Gene: GLDC (glycine decarboxylase; minus strand). Cytogenetic location: 9p24.1.
Variant type: single nucleotide variant.
Coding change: c.1378T>G on transcript NM_000170.3 (MANE Select); coding-DNA position 1378, T replaced by G.
Protein change: p.Phe460Val; replaces phenylalanine 460 with valine.
Molecular consequence: missense variant.
Genome position (GRCh38, 1-based): chr9:6,592,874, A>C on the plus strand (T>G on the coding strand, the complement: GLDC is on the minus strand). VCF-style: chr9-6592874-A-C. GRCh37 (hg19) VCF-style: chr9-6592874-A-C.
Other names: c.1378T>G (NM_000170.2); short protein forms F460V.
Identifiers: ClinVar variation 1503545 (VCV001503545.9), dbSNP rs2129853060, ClinGen allele CA372893939.

ClinVar aggregate classification (germline): Uncertain significance. Review status: criteria provided, multiple submitters, no conflicts (2 of 4 stars). 2 submissions from 2 submitters: Uncertain significance (2). Last evaluated 2025-06-18.

Conditions:
Glycine encephalopathy. Also called: Nonketotic hyperglycinemia; Non-ketotic hyperglycinemia. Identifiers: Orphanet 407, MedGen C0751748, MONDO:0011612, HP:0008288.

Allele frequency attached by ClinVar (database versions not stated): gnomAD exomes below 0.00001.
gnomAD v4.1: 1 of 1,613,816 alleles (0.000062%); highest among the groups gnomAD compares: Non-Finnish European, 0.000085%; no homozygotes.

Submissions (2):

GeneDx
Classification: Uncertain significance. Last evaluated: 2025-06-18. Review status: criteria provided, single submitter. Criteria: GeneDx Variant Classification Process June 2021. Collection method: clinical testing. Allele origin: germline. Affected: yes.
Comment: Not observed at significant frequency in large population cohorts (gnomAD); In silico analysis suggests that this missense variant does not alter protein structure/function; Has not been previously published as pathogenic or benign to our knowledge

Labcorp Genetics (formerly Invitae), Labcorp
Classification: Uncertain significance for Glycine encephalopathy. Last evaluated: 2022-09-27. Review status: criteria provided, single submitter. Criteria: Invitae Variant Classification Sherloc (09022015). Collection method: clinical testing. Allele origin: germline.
Comment: This sequence change replaces phenylalanine, which is neutral and non-polar, with valine, which is neutral and non-polar, at codon 460 of the GLDC protein (p.Phe460Val). This variant is not present in population databases (gnomAD no frequency). This variant has not been reported in the literature in individuals affected with GLDC-related conditions. ClinVar contains an entry for this variant (Variation ID: 1503545). In summary, the available evidence is currently insufficient to determine the role of this variant in disease. Therefore, it has been classified as a Variant of Uncertain Significance. Advanced modeling of protein sequence and biophysical properties (such as structural, functional, and spatial information, amino acid conservation, physicochemical variation, residue mobility, and thermodynamic stability) performed at Invitae indicates that this missense variant is not expected to disrupt GLDC protein function.